The following is an entry in ClinVar:

NM_005458.8(GABBR2):c.247C>A (p.Leu83Met)

Gene: GABBR2 (gamma-aminobutyric acid type B receptor subunit 2; minus strand). Cytogenetic location: 9q22.33.
Variant type: single nucleotide variant.
Coding change: c.247C>A on transcript NM_005458.8 (MANE Select); coding-DNA position 247, C replaced by A.
Protein change: p.Leu83Met; replaces leucine 83 with methionine.
Molecular consequence: missense variant.
Genome position (GRCh38, 1-based): chr9:98,708,491, G>T on the plus strand (C>A on the coding strand, the complement: GABBR2 is on the minus strand). VCF-style: chr9-98708491-G-T. GRCh37 (hg19) VCF-style: chr9-101470773-G-T.
Other names: short protein forms L83M.
Identifiers: ClinVar variation 4873669 (VCV004873669.2).

ClinVar aggregate classification (germline): Likely benign (1 of 4 stars; one submission).

gnomAD v4.1: 2 of 1,595,344 alleles (0.00013%); highest among the groups gnomAD compares: Non-Finnish European, 0.000085%; no homozygotes.

Submission:

CeGaT Center for Human Genetics Tuebingen
Classification: Likely benign. Last evaluated: 2026-06-01. Review status: criteria provided, single submitter. Criteria: CeGaT Center For Human Genetics Tuebingen Variant Classification Criteria Version 2. Collection method: clinical testing. Allele origin: germline. Affected: yes. Observed: 1 variant allele.
Comment: GABBR2: BS2